The following is an entry in ClinVar:

ClinVar aggregate classification (germline): Likely benign. Review status: criteria provided, multiple submitters, no conflicts (2 of 4 stars). 3 submissions from 3 submitters: Likely benign (3). Last evaluated 2025-02-02.

Conditions:
Early-infantile DEE. Also called: Early infantile epileptic encephalopathy; Ohtahara syndrome; Early infantile epileptic encephalopathy with suppression bursts. Identifiers: Orphanet 1934, MedGen C0393706, MONDO:0800491.
Inborn genetic diseases. Identifiers: MedGen C0950123, MeSH D030342.

Allele frequency attached by ClinVar (database versions not stated): ExAC 0.00002; gnomAD exomes 0.00002; TOPMed 0.00002; ESP Exome Variant Server 0.00008.
gnomAD v4.1: 29 of 1,613,524 alleles (0.0018%); highest among the groups gnomAD compares: Non-Finnish European, 0.0024%; no homozygotes.

Submissions (3):

Labcorp Genetics (formerly Invitae), Labcorp
Classification: Likely benign for Early-infantile DEE. Last evaluated: 2025-02-02. Review status: criteria provided, single submitter. Criteria: Invitae Variant Classification Sherloc (09022015). Collection method: clinical testing. Allele origin: germline.

CeGaT Center for Human Genetics Tuebingen
Classification: Likely benign. Last evaluated: 2023-11-01. Review status: criteria provided, single submitter. Criteria: CeGaT Center For Human Genetics Tuebingen Variant Classification Criteria Version 2. Collection method: clinical testing. Allele origin: germline. Affected: yes. Observed: 1 variant allele.
Comment: GNAO1: BP4, BP7

Ambry Genetics
Classification: Likely benign for Inborn genetic diseases. Last evaluated: 2017-05-11. Review status: criteria provided, single submitter. Criteria: Ambry Variant Classification Scheme 2023. Collection method: clinical testing. Allele origin: germline.

NM_020988.3(GNAO1):c.1014C>T (p.Ala338=)

Gene: GNAO1 (G protein subunit alpha o1; plus strand). Cytogenetic location: 16q13.
Variant type: single nucleotide variant.
Coding change: c.1014C>T on transcript NM_020988.3 (MANE Select); coding-DNA position 1014, C replaced by T.
Protein change: p.Ala338=; no amino-acid change (alanine 338 retained).
Molecular consequence: synonymous variant.
Genome position (GRCh38, 1-based): chr16:56,355,002, C>T. VCF-style: chr16-56355002-C-T. GRCh37 (hg19) VCF-style: chr16-56388914-C-T.
Identifiers: ClinVar variation 589044 (VCV000589044.32), dbSNP rs369818930, ClinGen allele CA8064036.